The following is an entry in ClinVar:

NM_005228.5(EGFR):c.2946+3A>G

Gene: EGFR (epidermal growth factor receptor; plus strand). Cytogenetic location: 7p11.2.
Variant type: single nucleotide variant.
Coding change: c.2946+3A>G on transcript NM_005228.5 (MANE Select); 3 bases into the intron after coding-DNA position 2946, A replaced by G.
Molecular consequence: intron variant.
Genome position (GRCh38, 1-based): chr7:55,200,416, A>G. VCF-style: chr7-55200416-A-G. GRCh37 (hg19) VCF-style: chr7-55268109-A-G.
Other names: c.2946+3A>G (NM_005228.3, NM_001346898.2); c.2811+3A>G (NM_001346899.2, NM_001346897.2); c.2145+3A>G (NM_001346941.2); c.2787+3A>G (NM_001346900.2).
Identifiers: ClinVar variation 1040724 (VCV001040724.6), dbSNP rs1185688669, ClinGen allele CA574327033.

ClinVar aggregate classification (germline): Uncertain significance. Review status: criteria provided, multiple submitters, no conflicts (2 of 4 stars). 2 submissions from 2 submitters: Uncertain significance (2). Last evaluated 2026-01-14.

Conditions:
Hereditary cancer-predisposing syndrome. Also called: Hereditary Cancer Syndrome; Tumor predisposition; Hereditary neoplastic syndrome; Neoplastic Syndromes, Hereditary. Identifiers: Orphanet 140162, MedGen C0027672, MeSH D009386, MONDO:0015356.
EGFR-related lung cancer (EGFR). Identifiers: MedGen CN130014.

Allele frequency attached by ClinVar (database versions not stated): TOPMed 0.00002; gnomAD 0.00003.
gnomAD v4.1: 33 of 1,613,596 alleles (0.002%); highest among the groups gnomAD compares: Non-Finnish European, 0.0028%; no homozygotes.

Submissions (2):

Labcorp Genetics (formerly Invitae), Labcorp
Classification: Uncertain significance for EGFR-related lung cancer. Last evaluated: 2026-01-14. Review status: criteria provided, single submitter. Criteria: Invitae Variant Classification Sherloc (09022015). Collection method: clinical testing. Allele origin: germline.
Comment: This sequence change falls in intron 24 of the EGFR gene. It does not directly change the encoded amino acid sequence of the EGFR protein. It affects a nucleotide within the consensus splice site. This variant is present in population databases (no rsID available, gnomAD 0.002%). This variant has not been reported in the literature in individuals affected with EGFR-related conditions. ClinVar contains an entry for this variant (Variation ID: 1040724). Variants that disrupt the consensus splice site are a relatively common cause of aberrant splicing (PMID: 17576681, 9536098). Algorithms developed to predict the effect of sequence changes on RNA splicing suggest that this variant may disrupt the consensus splice site. In summary, the available evidence is currently insufficient to determine the role of this variant in disease. Therefore, it has been classified as a Variant of Uncertain Significance.

Ambry Genetics
Classification: Uncertain significance for Hereditary cancer-predisposing syndrome. Last evaluated: 2025-01-14. Review status: criteria provided, single submitter. Criteria: Ambry Variant Classification Scheme 2023. Collection method: clinical testing. Allele origin: germline.
Comment: The c.2946+3A>G intronic variant results from an A to G substitution 3 nucleotides after coding exon 24 in the EGFR gene. This nucleotide position is well conserved in available vertebrate species. In silico splice site analysis predicts that this alteration will not have any significant effect on splicing. Based on the available evidence, the clinical significance of this variant remains unclear.

Literature cited by the submitters: PubMed 17576681 (cited by Labcorp Genetics (formerly Invitae), Labcorp); PubMed 9536098 (cited by Labcorp Genetics (formerly Invitae), Labcorp).